The following is an entry in ClinVar:

ClinVar aggregate classification (germline): Pathogenic (1 of 4 stars; one submission).

Submission:

ISCA site 4
Classification: Pathogenic. Last evaluated: 2011-08-12. Review status: criteria provided, single submitter. Criteria: Kaminsky et al. (Genet Med. 2011). Collection method: clinical testing. Allele origin: unknown. Affected: yes. Observed: 2 variant alleles.
Comment: Copy number variation identified through the course of routine clinical cytogenomic testing in postnatal populations. Clinical assertions have been curated as described in Kaminsky et al. 2011.

GRCh38/hg38 Yp11.2-q11.223(chrY:2786811-22358529)x2

Genes: AMELY (amelogenin Y-linked; minus strand), CDY2A (chromodomain Y-linked 2A; plus strand), CDY2B (chromodomain Y-linked 2B; minus strand), DDX3Y (DEAD-box helicase 3 Y-linked; plus strand), EIF1AY (eukaryotic translation initiation factor 1A Y-linked; plus strand) and 98 more. Cytogenetic location: Yp11.2-q11.223.
Variant type: copy number gain.
Change: copy number 2 of chrY:2,786,811-22,358,529 (19.57 Mb, GRCh38 coordinates, 1-based), cytogenetic band Yp11.2-q11.223.
Identifiers: ClinVar variation 57270 (VCV000057270.1).